The following is an entry in ClinVar:

ClinVar aggregate classification (germline): Pathogenic (1 of 4 stars; one submission).

Conditions:
Peroxisome biogenesis disorder 2B (PBD2B). Identifiers: Orphanet 44, MedGen C3550234, MONDO:0008736, OMIM 202370.

Submission:

Labcorp Genetics (formerly Invitae), Labcorp
Classification: Pathogenic for Peroxisome biogenesis disorder 2B. Last evaluated: 2025-03-17. Review status: criteria provided, single submitter. Criteria: Invitae Variant Classification Sherloc (09022015). Collection method: clinical testing. Allele origin: germline.
Comment: This sequence change creates a premature translational stop signal (p.Val508Alafs*19) in the PEX5 gene. It is expected to result in an absent or disrupted protein product. Loss-of-function variants in PEX5 are known to be pathogenic (PMID: 18712838, 21031596). This variant is not present in population databases (gnomAD no frequency). This variant has not been reported in the literature in individuals affected with PEX5-related conditions. This variant is also known as c.1521_1527del. ClinVar contains an entry for this variant (Variation ID: 1070685). For these reasons, this variant has been classified as Pathogenic.

Literature cited by the submitters: PubMed 18712838; PubMed 21031596.

NM_001351132.2(PEX5):c.1521_1528delinsA (p.Val508fs)

Gene: PEX5 (peroxisomal biogenesis factor 5; plus strand). Cytogenetic location: 12p13.31.
Variant type: Indel.
Coding change: c.1521_1528delinsA on transcript NM_001351132.2 (MANE Select); coding-DNA positions 1521 to 1528, CGTGGACT replaced by A.
Protein change: p.Val508fs; shifts the reading frame from valine 508.
Molecular consequence: frameshift variant.
Genome position (GRCh38, 1-based): chr12:7,209,131-7,209,138, CGTGGACT replaced by A. VCF-style: chr12-7209131-CGTGGACT-A. GRCh37 (hg19) VCF-style: chr12-7361727-CGTGGACT-A.
Other names: c.1497_1504delinsA, p.Val500fs (NM_000319.5); c.1566_1573delinsA, p.Val523fs (NM_001131023.2); c.1410_1417delinsA, p.Val471fs (NM_001131024.2, NM_001351124.3, NM_001351137.3 and 7 more transcripts); c.1521_1528delinsA, p.Val508fs (NM_001131025.2, NM_001131026.2, NM_001300789.3 and 4 more transcripts); c.1455_1462delinsA, p.Val486fs (NM_001351135.3, NM_001351138.2); c.1512_1519delinsA, p.Val505fs (NM_001351136.2); c.1386_1393delinsA, p.Val463fs (NM_001351139.2, NM_001351140.2, NM_001374649.2); short protein forms V508fs, V523fs, V486fs, V463fs, V471fs, V500fs, V505fs.
Identifiers: ClinVar variation 4775720 (VCV004775720.1).